The following is an entry in ClinVar:

NM_032866.5(CGNL1):c.1396A>G (p.Ile466Val)

Gene: CGNL1 (cingulin like 1; plus strand). Cytogenetic location: 15q21.3.
Variant type: single nucleotide variant.
Coding change: c.1396A>G on transcript NM_032866.5 (MANE Select); coding-DNA position 1396, A replaced by G.
Protein change: p.Ile466Val; replaces isoleucine 466 with valine.
Molecular consequence: missense variant.
Genome position (GRCh38, 1-based): chr15:57,439,395, A>G. VCF-style: chr15-57439395-A-G. GRCh37 (hg19) VCF-style: chr15-57731593-A-G.
Other names: c.1396A>G, p.Ile466Val (NM_001252335.2); short protein forms I466V.
Identifiers: ClinVar variation 3034970 (VCV003034970.2), dbSNP rs140115768, ClinGen allele CA7581777.
Genomic context (GRCh38, chr15:57,439,395, plus strand): 5'-AAGCTGCAGGGAGCAGCGCACGGGGCTTCATGTGCCCACTCCAGGCCTCCCCAGCCGAAC[A>G]TAGATGGGAAAGTTCTGGAAACCGAAGGTAGTCAGGAAAGTACAGTGATCCGTGCGCCCT-3'
Protein context (NP_116255.2, residues 456-476): CAHSRPPQPN[Ile466Val]DGKVLETEGS

ClinVar aggregate classification (germline): Likely benign (0 of 4 stars; one submission).

Conditions:
CGNL1-related disorder. Also called: CGNL1-related condition.

Allele frequency attached by ClinVar (database versions not stated): gnomAD exomes 0.00019; ExAC 0.00051; ESP Exome Variant Server 0.00162; gnomAD 0.00177; 1000 Genomes Project 30x 0.00187; 1000 Genomes Project 0.00200; TOPMed 0.00223.
gnomAD v4.1: 567 of 1,614,212 alleles (0.035%); highest among the groups gnomAD compares: African/African-American, 0.62%; 4 homozygotes.

Submission:

PreventionGenetics, part of Exact Sciences
Classification: Likely benign for CGNL1-related condition. Last evaluated: 2019-08-09. Review status: no assertion criteria provided. Collection method: clinical testing. Allele origin: germline.
Comment: This variant is classified as likely benign based on ACMG/AMP sequence variant interpretation guidelines (Richards et al. 2015 PMID: 25741868, with internal and published modifications).